The following is an entry in ClinVar:

ClinVar aggregate classification (germline): Pathogenic (1 of 4 stars; one submission).

Conditions:
3-methylcrotonyl-CoA carboxylase 2 deficiency. Also called: 3 alpha methylcrotonyl-CoA carboxylase 2 deficiency; 3 alpha methylcrotonylglycinuria 2; MCC 2 deficiency; Methylcrotonylglycinuria type 2; METHYLCROTONYLGLYCINURIA, TYPE II. Identifiers: Orphanet 6, MedGen C1859499, MONDO:0008862, OMIM 210210.

Submission:

Natera, Inc.
Classification: Pathogenic for 3-methylcrotonyl-CoA carboxylase 2 deficiency. Last evaluated: 2025-10-21. Review status: criteria provided, single submitter. Criteria: Natera Variant Classification Schema (03/2026). Collection method: clinical testing. Allele origin: germline.
Comment: The c.512-1G>C variant in MCCC2 is a canonical splice acceptor site variant predicted to affect pre-mRNA splicing, which may result in an abnormal transcript and altered protein product. This variant is expected to result in nonsense mediated decay, truncation, or a dysfunctional protein product. This variant is rare in the general population with a frequency below the threshold expected for the associated phenotype(s). Another variant at this same site results in an alteration predicted to cause a similar molecular effect has been observed in individual(s) with the associated phenotype. Given the available evidence, this variant is classified as Pathogenic.

NM_022132.5(MCCC2):c.512-1G>C

Gene: MCCC2 (methylcrotonyl-CoA carboxylase subunit 2; plus strand). Cytogenetic location: 5q13.2.
Variant type: single nucleotide variant.
Coding change: c.512-1G>C on transcript NM_022132.5 (MANE Select); the canonical splice acceptor site of the intron before coding-DNA position 512, G replaced by C.
Molecular consequence: splice acceptor variant.
Genome position (GRCh38, 1-based): chr5:71,604,355, G>C. VCF-style: chr5-71604355-G-C. GRCh37 (hg19) VCF-style: chr5-70900182-G-C.
Other names: c.512-1G>C (NM_001363147.1).
Identifiers: ClinVar variation 4816106 (VCV004816106.1).
Genomic context (GRCh38, chr5:71,604,355, plus strand): 5'-TCCCTCTGCGTAGCACATTTAGTTCATAGAGATGCTTATGTTTCTCATTTCTTGTCTTCA[G>C]TTGATTCGGGAGGAGCATACTTACCTCGACAAGCAGATGTGTTTCCAGATCGAGACCACT-3'